The following is an entry in ClinVar:

NM_000465.4(BARD1):c.1511A>G (p.Asn504Ser)

Gene: BARD1 (BRCA1 associated RING domain 1; minus strand). Cytogenetic location: 2q35.
Variant type: single nucleotide variant.
Coding change: c.1511A>G on transcript NM_000465.4 (MANE Select); coding-DNA position 1511, A replaced by G.
Protein change: p.Asn504Ser; replaces asparagine 504 with serine.
Molecular consequence: missense variant. On other transcripts: non-coding transcript variant (3), intron variant (3).
Genome position (GRCh38, 1-based): chr2:214,767,539, T>C on the plus strand (A>G on the coding strand, the complement: BARD1 is on the minus strand). VCF-style: chr2-214767539-T-C. GRCh37 (hg19) VCF-style: chr2-215632263-T-C.
Other names: c.1454A>G, p.Asn485Ser (NM_001282543.2); c.159-14984A>G (NM_001282548.2); c.216-14984A>G (NM_001282545.2); c.364+24758A>G (NM_001282549.2); short protein forms N504S, N485S.
Identifiers: ClinVar variation 568609 (VCV000568609.9), dbSNP rs1559409730, ClinGen allele CA350448309.

ClinVar aggregate classification (germline): Uncertain significance (1 of 4 stars; one submission).

Conditions:
Familial cancer of breast. Also called: BREAST CANCER, FAMILIAL; Hereditary breast cancer; hereditary breast carcinoma. Identifiers: Orphanet 227535, MedGen C0346153, MONDO:0016419, OMIM 114480. Disease mechanism: loss of function.

Submission:

Labcorp Genetics (formerly Invitae), Labcorp
Classification: Uncertain significance for Familial cancer of breast. Last evaluated: 2024-05-21. Review status: criteria provided, single submitter. Criteria: Invitae Variant Classification Sherloc (09022015). Collection method: clinical testing. Allele origin: germline.
Comment: This sequence change replaces asparagine, which is neutral and polar, with serine, which is neutral and polar, at codon 504 of the BARD1 protein (p.Asn504Ser). This variant is not present in population databases (gnomAD no frequency). This variant has not been reported in the literature in individuals affected with BARD1-related conditions. ClinVar contains an entry for this variant (Variation ID: 568609). Algorithms developed to predict the effect of missense changes on protein structure and function output the following: SIFT: "Not Available"; PolyPhen-2: "Benign"; Align-GVGD: "Not Available". The serine amino acid residue is found in multiple mammalian species, which suggests that this missense change does not adversely affect protein function. In summary, the available evidence is currently insufficient to determine the role of this variant in disease. Therefore, it has been classified as a Variant of Uncertain Significance.